The following is an entry in ClinVar:

ClinVar aggregate classification (germline): Uncertain significance. Review status: criteria provided, multiple submitters, no conflicts (2 of 4 stars). 2 submissions from 2 submitters: Uncertain significance (2). Last evaluated 2025-08-27.

Conditions:
Familial adenomatous polyposis 2. Also called: MUTYH-related attenuated familial adenomatous polyposis; COLORECTAL ADENOMATOUS POLYPOSIS, AUTOSOMAL RECESSIVE; ADENOMAS, MULTIPLE COLORECTAL, AUTOSOMAL RECESSIVE; MYH-associated polyposis; MUTYH-associated polyposis; MUTYH Polyposis. Identifiers: Orphanet 220460, Orphanet 247798, MedGen C3272841, MONDO:0012041, OMIM 608456.
Hereditary cancer-predisposing syndrome. Also called: Neoplastic Syndromes, Hereditary; Hereditary neoplastic syndrome; Hereditary Cancer Syndrome; Tumor predisposition. Identifiers: Orphanet 140162, MedGen C0027672, MeSH D009386, MONDO:0015356.

Submissions (2):

Ambry Genetics
Classification: Uncertain significance for Hereditary cancer-predisposing syndrome. Last evaluated: 2025-08-27. Review status: criteria provided, single submitter. Criteria: Ambry Variant Classification Scheme 2023. Collection method: clinical testing. Allele origin: germline.
Comment: The p.S24C variant (also known as c.70A>T), located in coding exon 2 of the MUTYH gene, results from an A to T substitution at nucleotide position 70. The serine at codon 24 is replaced by cysteine, an amino acid with dissimilar properties. This amino acid position is conserved. In addition, this alteration is predicted to be tolerated by in silico analysis. Based on the available evidence, the clinical significance of this variant remains unclear.

Labcorp Genetics (formerly Invitae), Labcorp
Classification: Uncertain significance for Familial adenomatous polyposis 2. Last evaluated: 2022-11-03. Review status: criteria provided, single submitter. Criteria: Invitae Variant Classification Sherloc (09022015). Collection method: clinical testing. Allele origin: germline.
Comment: In summary, the available evidence is currently insufficient to determine the role of this variant in disease. Therefore, it has been classified as a Variant of Uncertain Significance. Algorithms developed to predict the effect of missense changes on protein structure and function are either unavailable or do not agree on the potential impact of this missense change (SIFT: "Deleterious"; PolyPhen-2: "Possibly Damaging"; Align-GVGD: "Class C0"). This variant has not been reported in the literature in individuals affected with MUTYH-related conditions. This variant is not present in population databases (gnomAD no frequency). This sequence change replaces serine, which is neutral and polar, with cysteine, which is neutral and slightly polar, at codon 24 of the MUTYH protein (p.Ser24Cys).

NM_001048174.2(MUTYH):c.28A>T (p.Ser10Cys)

Gene: MUTYH (mutY DNA glycosylase; minus strand). Cytogenetic location: 1p34.1.
Variant type: single nucleotide variant.
Coding change: c.28A>T on transcript NM_001048174.2 (MANE Select); coding-DNA position 28, A replaced by T.
Protein change: p.Ser10Cys; replaces serine 10 with cysteine.
Molecular consequence: missense variant. On other transcripts: 5 prime UTR variant (7), non-coding transcript variant (7).
Genome position (GRCh38, 1-based): chr1:45,334,478, T>A on the plus strand (A>T on the coding strand, the complement: MUTYH is on the minus strand). VCF-style: chr1-45334478-T-A. GRCh37 (hg19) VCF-style: chr1-45800150-T-A.
Other names: c.28A>T, p.Ser10Cys (NM_001048171.2, NM_001048172.2, NM_001048173.2 and 15 more transcripts); c.70A>T, p.Ser24Cys (NM_001128425.2, NM_001293190.2, NM_001407069.1 and 2 more transcripts); c.-185A>T (NM_001293192.2, NM_001293196.2, NM_001407091.1); c.-244A>T (NM_001350650.2); c.-180A>T (NM_001350651.2, NM_001407082.1); c.-129A>T (NM_001407075.1); c.46A>T, p.Ser16Cys (NM_001407087.1); short protein forms S10C, S16C, S24C.
Identifiers: ClinVar variation 2795316 (VCV002795316.4), dbSNP rs386833408, ClinGen allele CA340137192.
Genomic context (GRCh38, chr1:45,334,478, plus strand): 5'-TGTTGTTCTTAGCATGCTTCTGCCTCCCTTCCTGGCTGGCTGCCTGCTTCCTGTGACCAC[T>A]TCCCACGGCTGCTCGTGGCTTCCTCATGATGGCCTGAAACAAAAAGACCCAGCCAAAGCA-3'
Protein context (NP_001041639.1, residues 1-20): MRKPRAAVG[Ser10Cys]GHRKQAASQE